The following is an entry in ClinVar:

NM_139057.4(ADAMTS17):c.194C>T (p.Pro65Leu)

Gene: ADAMTS17 (ADAM metallopeptidase with thrombospondin type 1 motif 17; minus strand). Cytogenetic location: 15q26.3.
Variant type: single nucleotide variant.
Coding change: c.194C>T on transcript NM_139057.4 (MANE Select); coding-DNA position 194, C replaced by T.
Protein change: p.Pro65Leu; replaces proline 65 with leucine.
Molecular consequence: missense variant.
Genome position (GRCh38, 1-based): chr15:100,341,295, G>A on the plus strand (C>T on the coding strand, the complement: ADAMTS17 is on the minus strand). VCF-style: chr15-100341295-G-A. GRCh37 (hg19) VCF-style: chr15-100881500-G-A.
Other names: c.194C>T (NM_139057.2); short protein forms P65L.
Identifiers: ClinVar variation 1905743 (VCV001905743.4), dbSNP rs1188528322, ClinGen allele CA394525473.
Genomic context (GRCh38, chr15:100,341,295, plus strand): 5'-AGGTGCAGCAGCAGGGCGCGCTCTCCGGGCCGGGCGCGCGGGGCGGCTGGGGGCGTGCGG[G>A]GGCGTCGCCGCCGTCGGGGCCCGGGGGCTGCGGGCAGCGGCGGCAGGTGCACGTCGTCGG-3'
Protein context (NP_620688.2, residues 55-75): AAPGPRRRRR[Pro65Leu]RTPPAAPRAR

ClinVar aggregate classification (germline): Uncertain significance. Review status: criteria provided, multiple submitters, no conflicts (2 of 4 stars). 2 submissions from 2 submitters: Uncertain significance (2). Last evaluated 2024-11-20.

Conditions:
Inborn genetic diseases. Identifiers: MedGen C0950123, MeSH D030342.

Allele frequency attached by ClinVar (database versions not stated): TOPMed below 0.00001; gnomAD exomes 0.00002.
gnomAD v4.1: 23 of 1,106,816 alleles (0.0021%); highest among the groups gnomAD compares: Non-Finnish European, 0.0024%; no homozygotes.

Submissions (2):

Ambry Genetics
Classification: Uncertain significance for Inborn genetic diseases. Last evaluated: 2024-11-20. Review status: criteria provided, single submitter. Criteria: Ambry Variant Classification Scheme 2023. Collection method: clinical testing. Allele origin: germline.

Labcorp Genetics (formerly Invitae), Labcorp
Classification: Uncertain significance. Last evaluated: 2022-05-30. Review status: criteria provided, single submitter. Criteria: Invitae Variant Classification Sherloc (09022015). Collection method: clinical testing. Allele origin: germline.
Comment: In summary, the available evidence is currently insufficient to determine the role of this variant in disease. Therefore, it has been classified as a Variant of Uncertain Significance. Algorithms developed to predict the effect of missense changes on protein structure and function are either unavailable or do not agree on the potential impact of this missense change (SIFT: "Not Available"; PolyPhen-2: "Benign"; Align-GVGD: "Not Available"). This variant has not been reported in the literature in individuals affected with ADAMTS17-related conditions. The frequency data for this variant in the population databases is considered unreliable, as metrics indicate insufficient coverage at this position in the gnomAD database. This sequence change replaces proline, which is neutral and non-polar, with leucine, which is neutral and non-polar, at codon 65 of the ADAMTS17 protein (p.Pro65Leu).